The following is an entry in ClinVar:

ClinVar aggregate classification (germline): Uncertain significance. Review status: criteria provided, multiple submitters, no conflicts (2 of 4 stars). 4 submissions from 4 submitters: Uncertain significance (4). Last evaluated 2024-04-25.

Conditions:
Hereditary cancer-predisposing syndrome. Also called: Neoplastic Syndromes, Hereditary; Hereditary Cancer Syndrome; Hereditary neoplastic syndrome; Tumor predisposition. Identifiers: Orphanet 140162, MedGen C0027672, MeSH D009386, MONDO:0015356.
Café-au-lait macules with pulmonary stenosis (WTSN). Also called: PULMONIC STENOSIS WITH CAFE-AU-LAIT SPOTS. Identifiers: MedGen C0553586, MONDO:0008672, OMIM 193520.
Neurofibromatosis, familial spinal (FSNF). Identifiers: Orphanet 636, MedGen C1834235, MONDO:0008078, OMIM 162210. Disease mechanism: loss of function.
Neurofibromatosis, type 1 (NF1). Also called: VON RECKLINGHAUSEN DISEASE; Neurofibromatosis, type I; NEUROFIBROMATOSIS, TYPE I, SOMATIC; Peripheral type neurofibromatosis. Identifiers: Orphanet 636, MedGen C0027831, MONDO:0018975, OMIM 162200. Disease mechanism: loss of function.
Juvenile myelomonocytic leukemia (JMML). Also called: LEUKEMIA, JUVENILE MYELOMONOCYTIC, SOMATIC. Identifiers: Orphanet 86834, MedGen C0349639, MONDO:0011908, OMIM 607785, HP:0012209.
Neurofibromatosis-Noonan syndrome (NFNS). Also called: NEUROFIBROMATOSIS WITH NOONAN PHENOTYPE. Identifiers: Orphanet 638, MedGen C2931482, MONDO:0011035, OMIM 601321. Disease mechanism: loss of function.

Allele frequency attached by ClinVar (database versions not stated): gnomAD exomes below 0.00001.
gnomAD v4.1: 1 of 1,611,838 alleles (0.000062%); highest among the groups gnomAD compares: Non-Finnish European, 0.000085%; no homozygotes.

Submissions (4):

Fulgent Genetics
Classification: Uncertain significance for Neurofibromatosis, type 1; Neurofibromatosis, familial spinal; Café-au-lait macules with pulmonary stenosis; Neurofibromatosis-Noonan syndrome; Juvenile myelomonocytic leukemia. Last evaluated: 2024-04-25. Review status: criteria provided, single submitter. Criteria: ACMG Guidelines, 2015. Collection method: clinical testing. Allele origin: germline.

Labcorp Genetics (formerly Invitae), Labcorp
Classification: Uncertain significance for Neurofibromatosis, type 1. Last evaluated: 2023-06-14. Review status: criteria provided, single submitter. Criteria: Invitae Variant Classification Sherloc (09022015). Collection method: clinical testing. Allele origin: germline.
Comment: This variant is not present in population databases (gnomAD no frequency). In summary, the available evidence is currently insufficient to determine the role of this variant in disease. Therefore, it has been classified as a Variant of Uncertain Significance. Advanced modeling of protein sequence and biophysical properties (such as structural, functional, and spatial information, amino acid conservation, physicochemical variation, residue mobility, and thermodynamic stability) has been performed at Invitae for this missense variant, however the output from this modeling did not meet the statistical confidence thresholds required to predict the impact of this variant on NF1 protein function. ClinVar contains an entry for this variant (Variation ID: 141685). This variant has not been reported in the literature in individuals affected with NF1-related conditions. This sequence change replaces isoleucine, which is neutral and non-polar, with valine, which is neutral and non-polar, at codon 988 of the NF1 protein (p.Ile988Val).

Genome-Nilou Lab
Classification: Uncertain significance for Neurofibromatosis, type 1. Last evaluated: 2022-03-15. Review status: criteria provided, single submitter. Criteria: ACMG Guidelines, 2015. Collection method: clinical testing. Allele origin: germline. Affected: no.

Ambry Genetics
Classification: Uncertain significance for Hereditary cancer-predisposing syndrome. Last evaluated: 2014-03-03. Review status: criteria provided, single submitter. Criteria: Ambry Autosomal Dominant and X-Linked criteria (10/2015). Collection method: clinical testing. Allele origin: germline. Observed: 1 variant allele.
Comment: The p.I988V variant (also known as c.2962A>G), located in coding exon 22 of the NF1 gene, results from an A to G substitution at nucleotide position 2962. The isoleucine at codon 988 is replaced by valine, an amino acid with highly similar properties. This variant was not reported in population based cohorts in the following databases: Database of Single Nucleotide Polymorphisms (dbSNP), NHLBI Exome Sequencing Project (ESP), and 1000 Genomes Project. This amino acid position is highly conserved in available vertebrate species. In addition, this alteration is predicted to be benign and tolerated by PolyPhen and SIFT in silico analyses, respectively. Since supporting evidence is limited at this time, the clinical significance of p.I988V remains unclear.

NM_001042492.3(NF1):c.2962A>G (p.Ile988Val)

Gene: NF1 (neurofibromin 1; plus strand). Cytogenetic location: 17q11.2.
Variant type: single nucleotide variant.
Coding change: c.2962A>G on transcript NM_001042492.3 (MANE Select); coding-DNA position 2962, A replaced by G.
Protein change: p.Ile988Val; replaces isoleucine 988 with valine.
Molecular consequence: missense variant.
Genome position (GRCh38, 1-based): chr17:31,229,946, A>G. VCF-style: chr17-31229946-A-G. GRCh37 (hg19) VCF-style: chr17-29556964-A-G.
Other names: c.2962A>G, p.Ile988Val (NM_000267.4); short protein forms I988V.
Identifiers: ClinVar variation 141685 (VCV000141685.12), dbSNP rs587781936, ClinGen allele CA166123.